The following is an entry in ClinVar:

ClinVar aggregate classification (germline): Uncertain significance (1 of 4 stars; one submission).

Submission:

Ambry Genetics
Classification: Uncertain significance. Last evaluated: 2025-07-09. Review status: criteria provided, single submitter. Criteria: Ambry Variant Classification Scheme 2023. Collection method: clinical testing. Allele origin: germline.
Comment: The p.P96R variant (also known as c.287C>G), located in coding exon 1 of the WNK2 gene, results from a C to G substitution at nucleotide position 287. The proline at codon 96 is replaced by arginine, an amino acid with dissimilar properties. This amino acid position is conserved. In addition, this alteration is predicted to be tolerated by in silico analysis. Based on the available evidence, the clinical significance of this variant remains unclear.

NM_006648.4(WNK2):c.287C>G (p.Pro96Arg)

Gene: WNK2 (WNK lysine deficient protein kinase 2; plus strand). Cytogenetic location: 9q22.31.
Variant type: single nucleotide variant.
Coding change: c.287C>G on transcript NM_006648.4 (MANE Select); coding-DNA position 287, C replaced by G.
Protein change: p.Pro96Arg; replaces proline 96 with arginine.
Molecular consequence: missense variant.
Genome position (GRCh38, 1-based): chr9:93,185,216, C>G. VCF-style: chr9-93185216-C-G. GRCh37 (hg19) VCF-style: chr9-95947498-C-G.
Other names: c.287C>G, p.Pro96Arg (NM_001282394.3); short protein forms P96R.
Identifiers: ClinVar variation 4201601 (VCV004201601.1).